The following is an entry in ClinVar:

NM_144599.5(NIPA1):c.226A>G (p.Met76Val)

Gene: NIPA1 (NIPA magnesium transporter 1; plus strand). Cytogenetic location: 15q11.2.
Variant type: single nucleotide variant.
Coding change: c.226A>G on transcript NM_144599.5 (MANE Select); coding-DNA position 226, A replaced by G.
Protein change: p.Met76Val; replaces methionine 76 with valine.
Molecular consequence: missense variant. On other transcripts: initiator codon variant (1).
Genome position (GRCh38, 1-based): chr15:22,810,796, A>G. VCF-style: chr15-22810796-A-G. GRCh37 (hg19) VCF-style: chr15-23062272-T-C.
Other names: c.1A>G, p.Met1Val (NM_001142275.1); short protein forms M1V, M76V.
Identifiers: ClinVar variation 2956159 (VCV002956159.3), dbSNP rs753319354, ClinGen allele CA7426175.
Genomic context (GRCh38, chr15:22,810,796, plus strand): 5'-TCATTTTTTATAGGTACTTCCTATTTAACAGACATTGTGTGGTGGGCTGGCACAATCGCA[A>G]GTAAGTAGCCTGTGTGGCGAAGTCTGGTCTTTTCCTTTCTTAGAATCCATCACTGGTCTG-3'
Protein context (NP_653200.2, residues 66-86): DIVWWAGTIA[Met76Val]AVGQIGNFLA

ClinVar aggregate classification (germline): Uncertain significance (1 of 4 stars; one submission).

Conditions:
Hereditary spastic paraplegia 6 (SPG6). Also called: SPASTIC PARAPLEGIA 6, AUTOSOMAL DOMINANT. Identifiers: Orphanet 100988, MedGen C1838192, MONDO:0010878, OMIM 600363.

Allele frequency attached by ClinVar (database versions not stated): ExAC 0.00001.

Submission:

Labcorp Genetics (formerly Invitae), Labcorp
Classification: Uncertain significance for Hereditary spastic paraplegia 6. Last evaluated: 2022-10-29. Review status: criteria provided, single submitter. Criteria: Invitae Variant Classification Sherloc (09022015). Collection method: clinical testing. Allele origin: germline.
Comment: This sequence change replaces methionine, which is neutral and non-polar, with valine, which is neutral and non-polar, at codon 76 of the NIPA1 protein (p.Met76Val). This variant is present in population databases (rs753319354, gnomAD 0.006%). This variant has not been reported in the literature in individuals affected with NIPA1-related conditions. Algorithms developed to predict the effect of missense changes on protein structure and function (SIFT, PolyPhen-2, Align-GVGD) all suggest that this variant is likely to be tolerated. In summary, the available evidence is currently insufficient to determine the role of this variant in disease. Therefore, it has been classified as a Variant of Uncertain Significance.